The following is an entry in ClinVar:

NM_001387263.1(PATL2):c.566T>G (p.Leu189Arg)

Gene: PATL2 (PAT1 homolog 2; minus strand). Cytogenetic location: 15q21.1.
Variant type: single nucleotide variant.
Coding change: c.566T>G on transcript NM_001387263.1 (MANE Select); coding-DNA position 566, T replaced by G.
Protein change: p.Leu189Arg; replaces leucine 189 with arginine.
Molecular consequence: missense variant. On other transcripts: 5 prime UTR variant (1), intron variant (2).
Genome position (GRCh38, 1-based): chr15:44,672,106, A>C on the plus strand (T>G on the coding strand, the complement: PATL2 is on the minus strand). VCF-style: chr15-44672106-A-C. GRCh37 (hg19) VCF-style: chr15-44964304-A-C.
Other names: NM_001145112.1:c.566T>G(p.Leu189Arg); c.566T>G, p.Leu189Arg (NM_001145112.2, NM_001387261.1, NM_001387262.1); c.-2T>G (NM_001330283.2); c.564+85T>G (NM_001387260.1, NM_001387264.1); short protein forms L189R.
Identifiers: ClinVar variation 549492 (VCV000549492.1), dbSNP rs1156737044, ClinGen allele CA392225615.
Genomic context (GRCh38, chr15:44,672,106, plus strand): 5'-GCACTCTGCAGCTGCACCATCTGCACTTTTATCACCCAGTCCTTCTCTTTTCTGGTCATG[A>C]GGTTAGCATAGGGGTCTGGCTGCTGAGACCAAGGCTTCTTGGCTGGGGGACTTTAAGCCA-3'
Protein context (NP_001374192.1, residues 179-199): WSQQPDPYAN[Leu189Arg]MTRKEKDWVI

ClinVar aggregate classification (germline): Likely pathogenic (1 of 4 stars; one submission).

Conditions:
Oocyte maturation defect 4. Also called: OOCYTE/ZYGOTE/EMBRYO MATURATION ARREST 4. Identifiers: MedGen C4540284, MONDO:0021575, OMIM 617743.

Allele frequency attached by ClinVar (database versions not stated): gnomAD exomes below 0.00001 and 0.00001.
gnomAD v4.1: 1 of 1,551,554 alleles (0.000064%); highest among the groups gnomAD compares: East Asian, 0.0024%; no homozygotes.

Submission:

SIB Swiss Institute of Bioinformatics
Classification: Likely pathogenic for Oocyte maturation defect 4. Last evaluated: 2018-04-16. Review status: criteria provided, single submitter. Criteria: ACMG Guidelines, 2015. Collection method: curation. Allele origin: germline.
Comment: This variant is interpreted as a Likely Pathogenic, for Oocyte maturation defect 4, Autosomal Recessive inheritance. The following ACMG Tag(s) were applied: PM2 => Absent from controls (or at extremely low frequency if recessive) in Exome Sequencing Project, 1000 Genomes Project, or Exome Aggregation Consortium. PP3 => Multiple lines of computational evidence support a deleterious effect on the gene or gene product. PS3 => Well-established functional studies show a deleterious effect (PMID:28965849). PM3-Supporting => PM3 downgraded in strength to Supporting.

Literature cited by the submitters: PubMed 28965849.